The following is an entry in ClinVar:

ClinVar aggregate classification (germline): Uncertain significance (1 of 4 stars; one submission).

Conditions:
Hereditary nonpolyposis colorectal neoplasms. Identifiers: MedGen C0009405, MeSH D003123.

Submission:

Labcorp Genetics (formerly Invitae), Labcorp
Classification: Uncertain significance for Hereditary nonpolyposis colorectal neoplasms. Last evaluated: 2023-06-12. Review status: criteria provided, single submitter. Criteria: Invitae Variant Classification Sherloc (09022015). Collection method: clinical testing. Allele origin: germline.
Comment: This sequence change replaces phenylalanine, which is neutral and non-polar, with tyrosine, which is neutral and polar, at codon 461 of the MSH6 protein (p.Phe461Tyr). This variant is not present in population databases (gnomAD no frequency). This variant has not been reported in the literature in individuals affected with MSH6-related conditions. Advanced modeling of protein sequence and biophysical properties (such as structural, functional, and spatial information, amino acid conservation, physicochemical variation, residue mobility, and thermodynamic stability) has been performed at Invitae for this missense variant, however the output from this modeling did not meet the statistical confidence thresholds required to predict the impact of this variant on MSH6 protein function. In summary, the available evidence is currently insufficient to determine the role of this variant in disease. Therefore, it has been classified as a Variant of Uncertain Significance.

NM_000179.3(MSH6):c.1382T>A (p.Phe461Tyr)

Gene: MSH6 (mutS homolog 6; plus strand). Cytogenetic location: 2p16.3.
Variant type: single nucleotide variant.
Coding change: c.1382T>A on transcript NM_000179.3 (MANE Select); coding-DNA position 1382, T replaced by A.
Protein change: p.Phe461Tyr; replaces phenylalanine 461 with tyrosine.
Molecular consequence: missense variant. On other transcripts: non-coding transcript variant (4), intron variant (1).
Genome position (GRCh38, 1-based): chr2:47,799,365, T>A. VCF-style: chr2-47799365-T-A. GRCh37 (hg19) VCF-style: chr2-48026504-T-A.
Other names: c.1085T>A, p.Phe362Tyr (NM_001406818.1, NM_001406819.1, NM_001406820.1 and 10 more transcripts); c.476T>A, p.Phe159Tyr (NM_001406823.1, NM_001406811.1, NM_001406812.1 and 6 more transcripts); c.1214T>A, p.Phe405Tyr (NM_001406826.1); c.857T>A, p.Phe286Tyr (NM_001406807.1, NM_001406799.1, NM_001406806.1); c.1382T>A, p.Phe461Tyr (NM_001406808.1, NM_001406809.1, NM_001406817.1 and 4 more transcripts); c.1388T>A, p.Phe463Tyr (NM_001406813.1); c.628-1301T>A (NM_001407362.1); c.1478T>A, p.Phe493Tyr (NM_001406802.1, NM_001406795.1); and 2 more; short protein forms F286Y, F362Y, F405Y, F435Y, F463Y, F159Y, F331Y, F461Y.
Identifiers: ClinVar variation 2710367 (VCV002710367.3), dbSNP rs1064793187, ClinGen allele CA346745001.
Genomic context (GRCh38, chr2:47,799,365, plus strand): 5'-TTATTGGAGTCAGTGAACTGGGGCTGGTATTCATGAAAGGCAACTGGGCCCATTCTGGCT[T>A]TCCTGAAATTGCATTTGGCCGTTATTCAGATTCCCTGGTGCAGAAGGGCTATAAAGTAGC-3'
Protein context (NP_000170.1, residues 451-471): FMKGNWAHSG[Phe461Tyr]PEIAFGRYSD